The following is an entry in ClinVar:

ClinVar aggregate classification (germline): Uncertain significance (1 of 4 stars; one submission).

Conditions:
Beckwith-Wiedemann syndrome (BWS). Also called: Exomphalos macroglossia gigantism syndrome; EMG SYNDROME. Identifiers: Orphanet 116, MedGen C0004903, MONDO:0007534, OMIM 130650.

Submission:

Labcorp Genetics (formerly Invitae), Labcorp
Classification: Uncertain significance for Beckwith-Wiedemann syndrome. Last evaluated: 2022-07-29. Review status: criteria provided, single submitter. Criteria: Invitae Variant Classification Sherloc (09022015). Collection method: clinical testing. Allele origin: germline.
Comment: This sequence change replaces serine, which is neutral and polar, with tyrosine, which is neutral and polar, at codon 125 of the CDKN1C protein (p.Ser125Tyr). This variant is not present in population databases (gnomAD no frequency). In summary, the available evidence is currently insufficient to determine the role of this variant in disease. Therefore, it has been classified as a Variant of Uncertain Significance. Algorithms developed to predict the effect of missense changes on protein structure and function (SIFT, PolyPhen-2, Align-GVGD) all suggest that this variant is likely to be tolerated. ClinVar contains an entry for this variant (Variation ID: 582539). This variant has not been reported in the literature in individuals affected with CDKN1C-related conditions.

NM_001122630.2(CDKN1C):c.341C>A (p.Ser114Tyr)

Gene: CDKN1C (cyclin dependent kinase inhibitor 1C; minus strand). Cytogenetic location: 11p15.4.
Variant type: single nucleotide variant.
Coding change: c.341C>A on transcript NM_001122630.2 (MANE Select); coding-DNA position 341, C replaced by A.
Protein change: p.Ser114Tyr; replaces serine 114 with tyrosine.
Molecular consequence: missense variant. On other transcripts: intron variant (1).
Genome position (GRCh38, 1-based): chr11:2,885,116, G>T on the plus strand (C>A on the coding strand, the complement: CDKN1C is on the minus strand). VCF-style: chr11-2885116-G-T. GRCh37 (hg19) VCF-style: chr11-2906346-G-T.
Other names: c.374C>A, p.Ser125Tyr (NM_000076.2, NM_001362474.2, LRG_533t1); c.341C>A, p.Ser114Tyr (NM_001122631.2); c.255+86C>A (NM_001362475.2); short protein forms S125Y, S114Y.
Identifiers: ClinVar variation 582539 (VCV000582539.11), dbSNP rs1564930282, ClinGen allele CA379146831.
Genomic context (GRCh38, chr11:2,885,116, plus strand): 5'-GCCGGGGCCGGGACCGGGACACTAGGCAGCTGCTCCGGCGCCTCCTCGAGGCCGTCGAGG[G>T]ACTCAGCGGCCGGCTCGAGGGGCGGGCTGACAGCCACCGCGACCGCGACGGGCCGCGGCG-3'
Protein context (NP_001116102.1, residues 104-124): VSPPLEPAAE[Ser114Tyr]LDGLEEAPEQ